The following is an entry in ClinVar:

NM_002439.5(MSH3):c.337C>G (p.Leu113Val)

Gene: MSH3 (mutS homolog 3; plus strand). Cytogenetic location: 5q14.1.
Variant type: single nucleotide variant.
Coding change: c.337C>G on transcript NM_002439.5 (MANE Select); coding-DNA position 337, C replaced by G.
Protein change: p.Leu113Val; replaces leucine 113 with valine.
Molecular consequence: missense variant.
Genome position (GRCh38, 1-based): chr5:80,656,510, C>G. VCF-style: chr5-80656510-C-G. GRCh37 (hg19) VCF-style: chr5-79952329-C-G.
Other names: c.337C>G (NM_002439.3); short protein forms L113V.
Identifiers: ClinVar variation 1471895 (VCV001471895.7), dbSNP rs2112801835, ClinGen allele CA360266527.
Genomic context (GRCh38, chr5:80,656,510, plus strand): 5'-AATGATGGGCCTGTTAAAAAGAAAGTAAAGAAAGTCCAACAAAAGGAAGGAGGAAGTGAT[C>G]TGGGAATGTCTGGCAACTCTGGTGAGTTGTGGGGGATTCTTTTTTCTCCTCAGTCATGGC-3'
Protein context (NP_002430.3, residues 103-123): KVQQKEGGSD[Leu113Val]GMSGNSEPKK

ClinVar aggregate classification (germline): Uncertain significance. Review status: criteria provided, multiple submitters, no conflicts (2 of 4 stars). 2 submissions from 2 submitters: Uncertain significance (2). Last evaluated 2025-10-29.

Conditions:
Hereditary cancer-predisposing syndrome. Also called: Neoplastic Syndromes, Hereditary; Hereditary Cancer Syndrome; Tumor predisposition; Hereditary neoplastic syndrome. Identifiers: Orphanet 140162, MedGen C0027672, MeSH D009386, MONDO:0015356.

Submissions (2):

Labcorp Genetics (formerly Invitae), Labcorp
Classification: Uncertain significance. Last evaluated: 2025-10-29. Review status: criteria provided, single submitter. Criteria: Invitae Variant Classification Sherloc (09022015). Collection method: clinical testing. Allele origin: germline.
Comment: This sequence change replaces leucine, which is neutral and non-polar, with valine, which is neutral and non-polar, at codon 113 of the MSH3 protein (p.Leu113Val). This variant is not present in population databases (gnomAD no frequency). This variant has not been reported in the literature in individuals affected with MSH3-related conditions. ClinVar contains an entry for this variant (Variation ID: 1471895). An algorithm developed to predict the effect of missense changes on protein structure and function (PolyPhen-2) suggests that this variant is likely to be tolerated. In summary, the available evidence is currently insufficient to determine the role of this variant in disease. Therefore, it has been classified as a Variant of Uncertain Significance.

Ambry Genetics
Classification: Uncertain significance for Hereditary cancer-predisposing syndrome. Last evaluated: 2024-02-25. Review status: criteria provided, single submitter. Criteria: Ambry Variant Classification Scheme 2023. Collection method: clinical testing. Allele origin: germline.
Comment: The p.L113V variant (also known as c.337C>G), located in coding exon 2 of the MSH3 gene, results from a C to G substitution at nucleotide position 337. The leucine at codon 113 is replaced by valine, an amino acid with highly similar properties. This amino acid position is conserved. In addition, this alteration is predicted to be tolerated by in silico analysis. Based on the available evidence, the clinical significance of this alteration remains unclear.